The following is an entry in ClinVar:

NM_000021.4(PSEN1):c.*3525A>G

Gene: PSEN1 (presenilin 1; plus strand). Cytogenetic location: 14q24.2.
Variant type: single nucleotide variant.
Coding change: c.*3525A>G on transcript NM_000021.4 (MANE Select); 3525 bases downstream of the stop codon, A replaced by G.
Molecular consequence: 3 prime UTR variant.
Genome position (GRCh38, 1-based): chr14:73,222,814, A>G. VCF-style: chr14-73222814-A-G. GRCh37 (hg19) VCF-style: chr14-73689522-A-G.
Other names: c.*3525A>G (NM_007318.3).
Identifiers: ClinVar variation 313996 (VCV000313996.5), dbSNP rs362391, ClinGen allele CA10635179.

ClinVar aggregate classification (germline): Benign/Likely benign. Review status: criteria provided, single submitter (1 of 4 stars). 2 submissions from 1 submitter: Benign (1); Likely benign (1). Last evaluated 2018-01-13.

Conditions:
Dilated cardiomyopathy 1U. Identifiers: Orphanet 154, MedGen C3160720, MONDO:0013371, OMIM 613694.
Alzheimer disease 3 (AD3). Also called: ALZHEIMER DISEASE, FAMILIAL, 3. Identifiers: Orphanet 1020, MedGen C1843013, MONDO:0011913, OMIM 607822.

Allele frequency attached by ClinVar (database versions not stated): gnomAD 0.01508 and 0.01605; TOPMed 0.01709; 1000 Genomes Project 0.02256; 1000 Genomes Project 30x 0.02374.

Submissions (2):

Illumina Laboratory Services, Illumina
Classification: Likely benign for Dilated cardiomyopathy 1U. Last evaluated: 2018-01-13. Review status: criteria provided, single submitter. Criteria: ICSL Variant Classification Criteria 13 December 2019. Collection method: clinical testing. Allele origin: germline.
Comment: This variant was observed in the ICSL laboratory as part of a predisposition screen in an ostensibly healthy population. It had not been previously curated by ICSL or reported in the Human Gene Mutation Database (HGMD: prior to June 1st, 2018), and was therefore a candidate for classification through an automated scoring system. Utilizing variant allele frequency, disease prevalence and penetrance estimates, and inheritance mode, an automated score was calculated to assess if this variant is too frequent to cause the disease. Based on the score and internal cut-off values, a variant classified as likely benign is not then subjected to further curation. The score for this variant resulted in a classification of likely benign for this disease.

Illumina Laboratory Services, Illumina
Classification: Benign for Alzheimer disease 3. Last evaluated: 2018-01-13. Review status: criteria provided, single submitter. Criteria: ICSL Variant Classification Criteria 13 December 2019. Collection method: clinical testing. Allele origin: germline.
Comment: This variant was observed in the ICSL laboratory as part of a predisposition screen in an ostensibly healthy population. It had not been previously curated by ICSL or reported in the Human Gene Mutation Database (HGMD: prior to June 1st, 2018), and was therefore a candidate for classification through an automated scoring system. Utilizing variant allele frequency, disease prevalence and penetrance estimates, and inheritance mode, an automated score was calculated to assess if this variant is too frequent to cause the disease. Based on the score and internal cut-off values, a variant classified as benign is not then subjected to further curation. The score for this variant resulted in a classification of benign for this disease.